The following is an entry in ClinVar:

ClinVar aggregate classification (germline): Uncertain significance (1 of 4 stars; one submission).

Conditions:
Cystic fibrosis (CF). Also called: MUCOVISCIDOSIS. Identifiers: Orphanet 586, MedGen C0010674, MONDO:0009061, OMIM 219700. Disease mechanism: loss of function.

gnomAD v4.1: 1 of 1,613,844 alleles (0.000062%); highest among the groups gnomAD compares: Non-Finnish European, 0.000085%; no homozygotes.

Submission:

Ambry Genetics
Classification: Uncertain significance for Cystic fibrosis. Last evaluated: 2025-02-25. Review status: criteria provided, single submitter. Criteria: Ambry Variant Classification Scheme 2023. Collection method: clinical testing. Allele origin: germline.
Comment: The p.S13C variant (also known as c.38C>G), located in coding exon 1 of the CFTR gene, results from a C to G substitution at nucleotide position 38. The serine at codon 13 is replaced by cysteine, an amino acid with dissimilar properties. This amino acid position is highly conserved in available vertebrate species. In addition, this alteration is predicted to be deleterious by in silico analysis. Based on the available evidence, the clinical significance of this variant remains unclear.

NM_000492.4(CFTR):c.38C>G (p.Ser13Cys)

Gene: CFTR (CF transmembrane conductance regulator; plus strand). Cytogenetic location: 7q31.2.
Variant type: single nucleotide variant.
Coding change: c.38C>G on transcript NM_000492.4 (MANE Select); coding-DNA position 38, C replaced by G.
Protein change: p.Ser13Cys; replaces serine 13 with cysteine.
Molecular consequence: missense variant.
Genome position (GRCh38, 1-based): chr7:117,480,132, C>G. VCF-style: chr7-117480132-C-G. GRCh37 (hg19) VCF-style: chr7-117120186-C-G.
Other names: short protein forms S13C.
Identifiers: ClinVar variation 3832540 (VCV003832540.1).